The following is an entry in ClinVar:

ClinVar aggregate classification (germline): Uncertain significance (1 of 4 stars; one submission).

Submission:

GeneDx
Classification: Uncertain significance. Last evaluated: 2024-12-17. Review status: criteria provided, single submitter. Criteria: GeneDx Variant Classification Process June 2021. Collection method: clinical testing. Allele origin: germline. Affected: yes.
Comment: In silico analysis supports that this missense variant has a deleterious effect on protein structure/function; Located in the conserved second extracellular loop (E2) of connexin 31, which contributes to specificity of heterotypic interactions between hemichannels and proper cellular distribution of the protein (Mese et al. 2007); Has not been previously published as pathogenic or benign to our knowledge

NM_024009.3(GJB3):c.479G>C (p.Arg160Pro)

Gene: GJB3 (gap junction protein beta 3; plus strand). Cytogenetic location: 1p34.3.
Variant type: single nucleotide variant.
Coding change: c.479G>C on transcript NM_024009.3 (MANE Select); coding-DNA position 479, G replaced by C.
Protein change: p.Arg160Pro; replaces arginine 160 with proline.
Molecular consequence: missense variant.
Genome position (GRCh38, 1-based): chr1:34,785,241, G>C. VCF-style: chr1-34785241-G-C. GRCh37 (hg19) VCF-style: chr1-35250842-G-C.
Other names: c.479G>C, p.Arg160Pro (NM_001005752.2); short protein forms R160P.
Identifiers: ClinVar variation 1311745 (VCV001311745.3), dbSNP rs200055020, ClinGen allele CA754841.